The following is an entry in ClinVar:

NM_000051.4(ATM):c.6577_6580dup (p.Thr2194fs)

Genes: ATM (ATM serine/threonine kinase; plus strand), C11orf65 (chromosome 11 open reading frame 65; minus strand). Cytogenetic location: 11q22.3.
Variant type: Duplication.
Coding change: c.6577_6580dup on transcript NM_000051.4 (MANE Select); coding-DNA positions 6577 to 6580, 4 bases duplicated (GTCA; older notation c.6577_6580dupGTCA).
Protein change: p.Thr2194fs; shifts the reading frame from threonine 2194.
Molecular consequence: frameshift variant. On other transcripts: intron variant (2).
Genome position (GRCh38, 1-based): chr11:108,325,314-108,325,317, GTCA duplicated; duplicating any 4 consecutive bases within chr11:108,325,311-108,325,317 gives the same sequence; the c. name uses the placement nearest the transcript's 3' end. VCF-style (leftmost placement, unchanged base first): chr11-108325310-A-ATCAG. GRCh37 (hg19) VCF-style: chr11-108196037-A-ATCAG.
Other names: c.6577_6580dup, p.Thr2194fs (NM_001351834.2); c.641-16243_641-16240dup (NM_001330368.2); c.*38+9906_*38+9909dup (NM_001351110.2); short protein forms T2194fs.
Identifiers: ClinVar variation 2431280 (VCV002431280.1), dbSNP rs2547199448, ClinGen allele CA2580083005.

ClinVar aggregate classification (germline): Pathogenic (1 of 4 stars; one submission).

Conditions:
Familial cancer of breast. Also called: Hereditary breast cancer; BREAST CANCER, FAMILIAL; hereditary breast carcinoma. Identifiers: Orphanet 227535, MedGen C0346153, MONDO:0016419, OMIM 114480. Disease mechanism: loss of function.

Submission:

Myriad Genetics, Inc.
Classification: Pathogenic for Familial cancer of breast. Last evaluated: 2023-01-10. Review status: criteria provided, single submitter. Criteria: Myriad Autosomal Dominant, Autosomal Recessive and X-Linked Classification Criteria (2023). Collection method: clinical testing. Allele origin: unknown.
Comment: This variant is considered pathogenic. This variant creates a frameshift predicted to result in premature protein truncation.